The following is an entry in ClinVar:

NM_014423.4(AFF4):c.2835T>C (p.Ala945=)

Gene: AFF4 (ALF transcription elongation factor 4; minus strand). Cytogenetic location: 5q31.1.
Variant type: single nucleotide variant.
Coding change: c.2835T>C on transcript NM_014423.4 (MANE Select); coding-DNA position 2835, T replaced by C.
Protein change: p.Ala945=; no amino-acid change (alanine 945 retained).
Molecular consequence: synonymous variant.
Genome position (GRCh38, 1-based): chr5:132,887,944, A>G on the plus strand (T>C on the coding strand, the complement: AFF4 is on the minus strand). VCF-style: chr5-132887944-A-G. GRCh37 (hg19) VCF-style: chr5-132223636-A-G.
Identifiers: ClinVar variation 5040069 (VCV005040069.1).

ClinVar aggregate classification (germline): Likely benign (1 of 4 stars; one submission).

Submission:

CeGaT Center for Human Genetics Tuebingen
Classification: Likely benign. Last evaluated: 2026-08-01. Review status: criteria provided, single submitter. Criteria: CeGaT Center For Human Genetics Tuebingen Variant Classification Criteria Version 2. Collection method: clinical testing. Allele origin: germline. Affected: yes. Observed: 1 variant allele.
Comment: AFF4: PM2:Supporting, BP4, BP7